The following is an entry in ClinVar:

NM_007215.4(POLG2):c.562+112T>C

Genes: MILR1 (mast cell immunoglobulin like receptor 1; plus strand), POLG2 (DNA polymerase gamma 2, accessory subunit; minus strand). Cytogenetic location: 17q23.3.
Variant type: single nucleotide variant.
Coding change: c.562+112T>C on transcript NM_007215.4 (MANE Select); 112 bases into the intron after coding-DNA position 562, T replaced by C.
Molecular consequence: intron variant.
Genome position (GRCh38, 1-based): chr17:64,496,295, A>G on the plus strand (T>C on the coding strand, the complement: POLG2 is on the minus strand). VCF-style: chr17-64496295-A-G. GRCh37 (hg19) VCF-style: chr17-62492413-A-G.
Identifiers: ClinVar variation 676255 (VCV000676255.2), dbSNP rs3744409, ClinGen allele CA15893631.
Genomic context (GRCh38, chr17:64,496,295, plus strand): 5'-AGTTTTCTCCAGGGTAGAGCACTGTTAATATATCCGACTACTTCAAAAAGATGAGAACTA[A>G]CTAACTTCCTTGCATGGGAATACAGGGCCAGTTGCAATCCCCAAGATCCAGCAAGACTGC-3'

ClinVar aggregate classification (germline): Benign. Review status: criteria provided, multiple submitters, no conflicts (2 of 4 stars). 2 submissions from 2 submitters: Benign (2). Last evaluated 2018-06-16.

Allele frequency attached by ClinVar (database versions not stated): gnomAD exomes 0.11640; gnomAD 0.28046 and 0.29366; 1000 Genomes Project 0.28954; TOPMed 0.30545; 1000 Genomes Project 30x 0.30575.
gnomAD v4.1: 108,304 of 713,100 alleles (15%); highest among the groups gnomAD compares: African/African-American, 70%; 18,625 homozygotes.

Submissions (2):

GeneDx
Classification: Benign. Last evaluated: 2018-06-16. Review status: criteria provided, single submitter. Criteria: GeneDx Variant Classification (06012015). Collection method: clinical testing. Allele origin: germline. Affected: yes.
Comment: This variant is considered likely benign or benign based on one or more of the following criteria: it is a conservative change, it occurs at a poorly conserved position in the protein, it is predicted to be benign by multiple in silico algorithms, and/or has population frequency not consistent with disease.

Breakthrough Genomics
Classification: Benign. Review status: criteria provided, single submitter. Criteria: ACMG Guidelines, 2015. Collection method: not provided. Allele origin: germline. Inheritance: Autosomal recessive inheritance. Affected: yes.